The following is an entry in ClinVar:

NM_033305.3(VPS13A):c.1032C>A (p.Cys344Ter)

Gene: VPS13A (vacuolar protein sorting 13 homolog A; plus strand). Cytogenetic location: 9q21.2.
Variant type: single nucleotide variant.
Coding change: c.1032C>A on transcript NM_033305.3 (MANE Select); coding-DNA position 1032, C replaced by A.
Protein change: p.Cys344Ter; replaces cysteine 344 with a stop codon.
Molecular consequence: nonsense.
Genome position (GRCh38, 1-based): chr9:77,221,227, C>A. VCF-style: chr9-77221227-C-A. GRCh37 (hg19) VCF-style: chr9-79836143-C-A.
Other names: c.1032C>A, p.Cys344Ter (NM_001018037.2, NM_001018038.3, NM_015186.4); short protein forms C344*.
Identifiers: ClinVar variation 1454566 (VCV001454566.6), dbSNP rs2131179725, ClinGen allele CA373843855.

ClinVar aggregate classification (germline): Pathogenic (1 of 4 stars; one submission).

Submission:

Labcorp Genetics (formerly Invitae), Labcorp
Classification: Pathogenic. Last evaluated: 2021-04-08. Review status: criteria provided, single submitter. Criteria: Invitae Variant Classification Sherloc (09022015). Collection method: clinical testing. Allele origin: germline.
Comment: For these reasons, this variant has been classified as Pathogenic. This variant has not been reported in the literature in individuals with VPS13A-related conditions. This variant is not present in population databases (ExAC no frequency). This sequence change creates a premature translational stop signal (p.Cys344*) in the VPS13A gene. It is expected to result in an absent or disrupted protein product. Loss-of-function variants in VPS13A are known to be pathogenic (PMID: 12404112, 21598378).

Literature cited by the submitters: PubMed 12404112; PubMed 21598378.